The following is an entry in ClinVar:

NM_014384.3(ACAD8):c.940-13C>G

Gene: ACAD8 (acyl-CoA dehydrogenase family member 8; plus strand). Cytogenetic location: 11q25.
Variant type: single nucleotide variant.
Coding change: c.940-13C>G on transcript NM_014384.3 (MANE Select); 13 bases into the intron before coding-DNA position 940, C replaced by G.
Molecular consequence: intron variant.
Genome position (GRCh38, 1-based): chr11:134,261,725, C>G. VCF-style: chr11-134261725-C-G. GRCh37 (hg19) VCF-style: chr11-134131619-C-G.
Identifiers: ClinVar variation 3001539 (VCV003001539.4), dbSNP rs1482092685, ClinGen allele CA673791305.

ClinVar aggregate classification (germline): Uncertain significance. Review status: criteria provided, multiple submitters, no conflicts (2 of 4 stars). 2 submissions from 2 submitters: Uncertain significance (2). Last evaluated 2024-04-08.

Conditions:
Deficiency of isobutyryl-CoA dehydrogenase. Also called: ACAD8 DEFICIENCY; ACYL-CoA DEHYDROGENASE FAMILY, MEMBER 8, DEFICIENCY OF; IBD DEFICIENCY. Identifiers: Orphanet 79159, MedGen C1969809, MONDO:0012648, OMIM 611283.

Allele frequency attached by ClinVar (database versions not stated): TOPMed below 0.00001.

Submissions (2):

GeneDx
Classification: Uncertain significance. Last evaluated: 2024-04-08. Review status: criteria provided, single submitter. Criteria: GeneDx Variant Classification Process June 2021. Collection method: clinical testing. Allele origin: germline. Affected: yes.
Comment: Not observed at significant frequency in large population cohorts (gnomAD); In silico analysis is inconclusive as to whether the variant alters gene splicing. In the absence of RNA/functional studies, the actual effect of this sequence change is unknown.; Has not been previously published as pathogenic or benign to our knowledge

Labcorp Genetics (formerly Invitae), Labcorp
Classification: Uncertain significance for Deficiency of isobutyryl-CoA dehydrogenase. Last evaluated: 2023-03-08. Review status: criteria provided, single submitter. Criteria: Invitae Variant Classification Sherloc (09022015). Collection method: clinical testing. Allele origin: germline.
Comment: Algorithms developed to predict the effect of sequence changes on RNA splicing suggest that this variant may disrupt the consensus splice site. In summary, the available evidence is currently insufficient to determine the role of this variant in disease. Therefore, it has been classified as a Variant of Uncertain Significance. This variant has been observed in individual(s) with isobutyryl-CoA dehydrogenase deficiency (Invitae). In at least one individual the data is consistent with being in trans (on the opposite chromosome) from a pathogenic variant. This sequence change falls in intron 8 of the ACAD8 gene. It does not directly change the encoded amino acid sequence of the ACAD8 protein. This variant is not present in population databases (gnomAD no frequency).